The following is an entry in ClinVar:

NM_058216.3(RAD51C):c.439T>C (p.Cys147Arg)

Gene: RAD51C (RAD51 paralog C; plus strand). Cytogenetic location: 17q22.
Variant type: single nucleotide variant.
Coding change: c.439T>C on transcript NM_058216.3 (MANE Select); coding-DNA position 439, T replaced by C.
Protein change: p.Cys147Arg; replaces cysteine 147 with arginine.
Molecular consequence: missense variant.
Genome position (GRCh38, 1-based): chr17:58,696,727, T>C. VCF-style: chr17-58696727-T-C. GRCh37 (hg19) VCF-style: chr17-56774088-T-C.
Other names: short protein forms C147R.
Identifiers: ClinVar variation 1047105 (VCV001047105.8), dbSNP rs2048023614, ClinGen allele CA400344205.

ClinVar aggregate classification (germline): Uncertain significance (1 of 4 stars; one submission).

Conditions:
Fanconi anemia complementation group O. Also called: RAD51C-Related Fanconi Anemia. Identifiers: Orphanet 84, MedGen C3150653, MONDO:0013248, OMIM 613390.

Submission:

Labcorp Genetics (formerly Invitae), Labcorp
Classification: Uncertain significance for Fanconi anemia complementation group O. Last evaluated: 2020-03-19. Review status: criteria provided, single submitter. Criteria: Invitae Variant Classification Sherloc (09022015). Collection method: clinical testing. Allele origin: germline.
Comment: This sequence change replaces cysteine with arginine at codon 147 of the RAD51C protein (p.Cys147Arg). The cysteine residue is highly conserved and there is a large physicochemical difference between cysteine and arginine. In summary, the available evidence is currently insufficient to determine the role of this variant in disease. Therefore, it has been classified as a Variant of Uncertain Significance. Algorithms developed to predict the effect of missense changes on protein structure and function (SIFT, PolyPhen-2, Align-GVGD) all suggest that this variant is likely to be tolerated, but these predictions have not been confirmed by published functional studies and their clinical significance is uncertain. This variant has not been reported in the literature in individuals with RAD51C-related conditions. This variant is not present in population databases (ExAC no frequency).